The following is an entry in ClinVar:

ClinVar aggregate classification (germline): Pathogenic (1 of 4 stars; one submission).

Submission:

Labcorp Genetics (formerly Invitae), Labcorp
Classification: Pathogenic. Last evaluated: 2019-11-06. Review status: criteria provided, single submitter. Criteria: Invitae Variant Classification Sherloc (09022015). Collection method: clinical testing. Allele origin: germline.
Comment: This variant is not present in population databases (ExAC no frequency). This variant has not been reported in the literature in individuals with QRICH1-related disease. Loss-of-function variants in QRICH1 are known to be pathogenic (PMID: 28692176). For these reasons, this variant has been classified as Pathogenic. This sequence change creates a premature translational stop signal (p.Phe384Leufs*71) in the QRICH1 gene. It is expected to result in an absent or disrupted protein product.

Literature cited by the submitters: PubMed 28692176.

NM_198880.3(QRICH1):c.1148dup (p.Phe384fs)

Gene: QRICH1 (glutamine rich 1; minus strand). Cytogenetic location: 3p21.31.
Variant type: Duplication.
Coding change: c.1148dup on transcript NM_198880.3 (MANE Select); coding-DNA position 1148, one base duplicated (T; older notation c.1148dupT).
Protein change: p.Phe384fs; shifts the reading frame from phenylalanine 384.
Molecular consequence: frameshift variant.
Genome position (GRCh38, 1-based): chr3:49,057,052, A duplicated on the plus strand (T on the coding strand, the reverse complement: QRICH1 is on the minus strand). VCF-style (leftmost placement, unchanged base first): chr3-49057051-G-GA. GRCh37 (hg19) VCF-style: chr3-49094484-G-GA.
Other names: c.1148dup, p.Phe384fs (NM_001320580.2, NM_001320581.2, NM_001320582.2 and 4 more transcripts); short protein forms F384fs.
Identifiers: ClinVar variation 964261 (VCV000964261.6), dbSNP rs2093406628, ClinGen allele CA1139658071.